The following is an entry in ClinVar:

ClinVar aggregate classification (germline): Conflicting classifications of pathogenicity. Review status: criteria provided, conflicting classifications (1 of 4 stars). 3 submissions from 3 submitters: Pathogenic (1); Uncertain significance (1). 1 of the submissions does not count toward it. Last evaluated 2025-01-27.

Conditions:
Hypokalemic periodic paralysis, type 1. Also called: HypoPP; Hypokalemic Periodic Paralysis Type 1 (AD). Identifiers: Orphanet 681, MedGen C3714580, MONDO:0042979, OMIM 170400.
Malignant hyperthermia, susceptibility to, 1 (MHS1). Also called: RYR1-Related Malignant Hyperthermia Susceptibility; Malignant hyperthermia suceptibility 1; Anesthesia related hyperthermia; Malignant hyperpyrexia; Fulminating hyperpyrexia; Pharmacogenic myopathy. Identifiers: Orphanet 423, MedGen C2930980, MONDO:0007783, OMIM 145600.
Malignant hyperthermia, susceptibility to, 5 (MHS5). Also called: CACNA1S-Related Malignant Hyperthermia Susceptibility. Identifiers: Orphanet 423, MedGen C1866077, MONDO:0011163, OMIM 601887.

Submissions (3):

Labcorp Genetics (formerly Invitae), Labcorp
Classification: Pathogenic for Hypokalemic periodic paralysis, type 1; Malignant hyperthermia, susceptibility to, 5. Last evaluated: 2025-01-27. Review status: criteria provided, single submitter. Criteria: Invitae Variant Classification Sherloc (09022015). Collection method: clinical testing. Allele origin: germline.
Comment: This sequence change replaces arginine, which is basic and polar, with serine, which is neutral and polar, at codon 900 of the CACNA1S protein (p.Arg900Ser). This variant is not present in population databases (gnomAD no frequency). This missense change has been observed in individuals with clinical features of hypokalemic periodic paralysis (PMID: 19118277, 25213595, 26433613; internal data). It has also been observed to segregate with disease in related individuals. ClinVar contains an entry for this variant (Variation ID: 1503945). Invitae Evidence Modeling of protein sequence and biophysical properties (such as structural, functional, and spatial information, amino acid conservation, physicochemical variation, residue mobility, and thermodynamic stability) indicates that this missense variant is not expected to disrupt CACNA1S protein function with a negative predictive value of 95%. This variant disrupts the p.Arg900 amino acid residue in CACNA1S. Other variant(s) that disrupt this residue have been observed in individuals with CACNA1S-related conditions (PMID: 21855088), which suggests that this may be a clinically significant amino acid residue. For these reasons, this variant has been classified as Pathogenic.

Leeds Institute of Medical Research, University of Leeds
Classification: Uncertain significance for Malignant hyperthermia, susceptibility to, 1. Review status: criteria provided, single submitter. Criteria: Johnston et al. (Hum Mol Genet. 2022). Collection method: research. Allele origin: germline. Inheritance: Autosomal dominant inheritance. Affected: yes. Observed: 1 variant allele, 1 heterozygote.
Comment: ACMG/AMP PP3 the CADD_PHRED score was 23.9. PM2 the missense variant was present in a single MH susceptible individual from the n=100 MH susceptible individuals tested, and absent from the n=25 MH normal controls and UK Biobank controls. Segregation analysis was not possible due to absence of other family members. It was present in a gene that has two missense variants that are used diagnostically, one of which is located in a transmembrane region. This variant although in a transmembrane motif, was in a different part of the protein seqeunce. Also a ClinVar VCEP RYR1 variant designanted benign was present. From this evidence the variant is classified as uncertain significance.

GeneReviews
No classification provided. Condition: Hypokalemic periodic paralysis, type 1. Review status: no classification provided. Collection method: literature only. Allele origin: germline. Not counted in ClinVar's aggregate classification.

Literature cited by the submitters: PubMed 19118277 (cited by Labcorp Genetics (formerly Invitae), Labcorp); PubMed 25213595 (cited by Labcorp Genetics (formerly Invitae), Labcorp); PubMed 26433613 (cited by Labcorp Genetics (formerly Invitae), Labcorp); PubMed 21855088 (cited by Labcorp Genetics (formerly Invitae), Labcorp).

NM_000069.3(CACNA1S):c.2700G>T (p.Arg900Ser)

Gene: CACNA1S (calcium voltage-gated channel subunit alpha1 S; minus strand). Cytogenetic location: 1q32.1.
Variant type: single nucleotide variant.
Coding change: c.2700G>T on transcript NM_000069.3 (MANE Select); coding-DNA position 2700, G replaced by T.
Protein change: p.Arg900Ser; replaces arginine 900 with serine.
Molecular consequence: missense variant.
Genome position (GRCh38, 1-based): chr1:201,066,274, C>A on the plus strand (G>T on the coding strand, the complement: CACNA1S is on the minus strand). VCF-style: chr1-201066274-C-A. GRCh37 (hg19) VCF-style: chr1-201035402-C-A.
Other names: short protein forms R900S.
Identifiers: ClinVar variation 1503945 (VCV001503945.10), dbSNP rs2102582533, ClinGen allele CA344102465.